The following is an entry in ClinVar:

ClinVar aggregate classification (germline): Uncertain significance (1 of 4 stars; one submission).

Submission:

Labcorp Genetics (formerly Invitae), Labcorp
Classification: Uncertain significance. Last evaluated: 2024-10-15. Review status: criteria provided, single submitter. Criteria: Invitae Variant Classification Sherloc (09022015). Collection method: clinical testing. Allele origin: germline.
Comment: This sequence change replaces proline, which is neutral and non-polar, with leucine, which is neutral and non-polar, at codon 2186 of the ADGRV1 protein (p.Pro2186Leu). This variant is not present in population databases (gnomAD no frequency). This variant has not been reported in the literature in individuals affected with ADGRV1-related conditions. ClinVar contains an entry for this variant (Variation ID: 1043335). Invitae Evidence Modeling of protein sequence and biophysical properties (such as structural, functional, and spatial information, amino acid conservation, physicochemical variation, residue mobility, and thermodynamic stability) indicates that this missense variant is not expected to disrupt ADGRV1 protein function with a negative predictive value of 95%. In summary, the available evidence is currently insufficient to determine the role of this variant in disease. Therefore, it has been classified as a Variant of Uncertain Significance.

NM_032119.4(ADGRV1):c.6557C>T (p.Pro2186Leu)

Gene: ADGRV1 (adhesion G protein-coupled receptor V1; plus strand). Cytogenetic location: 5q14.3.
Variant type: single nucleotide variant.
Coding change: c.6557C>T on transcript NM_032119.4 (MANE Select); coding-DNA position 6557, C replaced by T.
Protein change: p.Pro2186Leu; replaces proline 2186 with leucine.
Molecular consequence: missense variant. On other transcripts: non-coding transcript variant (1).
Genome position (GRCh38, 1-based): chr5:90,689,927, C>T. VCF-style: chr5-90689927-C-T. GRCh37 (hg19) VCF-style: chr5-89985744-C-T.
Other names: short protein forms P2186L.
Identifiers: ClinVar variation 1043335 (VCV001043335.8), dbSNP rs1746246415, ClinGen allele CA360366158.